The following is an entry in ClinVar:

NM_001854.4(COL11A1):c.1366C>T (p.Pro456Ser)

Gene: COL11A1 (collagen type XI alpha 1 chain; minus strand). Cytogenetic location: 1p21.1.
Variant type: single nucleotide variant.
Coding change: c.1366C>T on transcript NM_001854.4 (MANE Select); coding-DNA position 1366, C replaced by T.
Protein change: p.Pro456Ser; replaces proline 456 with serine.
Molecular consequence: missense variant. On other transcripts: non-coding transcript variant (1).
Genome position (GRCh38, 1-based): chr1:103,017,867, G>A on the plus strand (C>T on the coding strand, the complement: COL11A1 is on the minus strand). VCF-style: chr1-103017867-G-A. GRCh37 (hg19) VCF-style: chr1-103483423-G-A.
Other names: c.1249C>T, p.Pro417Ser (NM_001190709.2); c.1402C>T, p.Pro468Ser (NM_080629.3); c.1018C>T, p.Pro340Ser (NM_080630.4); short protein forms P340S, P417S, P456S, P468S.
Identifiers: ClinVar variation 4528030 (VCV004528030.1).

ClinVar aggregate classification (germline): Uncertain significance (1 of 4 stars; one submission).

Submission:

GeneDx
Classification: Uncertain significance. Last evaluated: 2025-05-08. Review status: criteria provided, single submitter. Criteria: GeneDx Variant Classification Process June 2021. Collection method: clinical testing. Allele origin: germline. Affected: yes.
Comment: Not observed at significant frequency in large population cohorts (gnomAD); In silico analysis supports that this missense variant has a deleterious effect on protein structure/function; Has not been previously published as pathogenic or benign to our knowledge; Not located in the triple helical region, where the majority of pathogenic missense variants occur (HGMD; PMID: 25240749); This variant is associated with the following publications: (PMID: 25240749)